The following is an entry in ClinVar:

NM_013335.4(GMPPA):c.345T>C (p.Ala115=)

Genes: ASIC4-AS1 (ASIC4 antisense RNA 1; minus strand), GMPPA (GDP-mannose pyrophosphorylase A; plus strand). Cytogenetic location: 2q35.
Variant type: single nucleotide variant.
Coding change: c.345T>C on transcript NM_013335.4 (MANE Select); coding-DNA position 345, T replaced by C.
Protein change: p.Ala115=; no amino-acid change (alanine 115 retained).
Molecular consequence: synonymous variant.
Genome position (GRCh38, 1-based): chr2:219,501,953, T>C. VCF-style: chr2-219501953-T-C. GRCh37 (hg19) VCF-style: chr2-220366675-T-C.
Other names: c.345T>C, p.Ala115= (NM_205847.3).
Identifiers: ClinVar variation 382996 (VCV000382996.8), dbSNP rs761791232, ClinGen allele CA2128120.

ClinVar aggregate classification (germline): Likely benign. Review status: criteria provided, multiple submitters, no conflicts (2 of 4 stars). 2 submissions from 2 submitters: Likely benign (2). Last evaluated 2023-07-16.

Conditions:
Alacrima, achalasia, and impaired intellectual development syndrome. Also called: Alacrima, achalasia, and mental retardation syndrome; Alacrima, achalasia, and intellectual disability syndrome. Identifiers: Orphanet 869, MedGen C4706563, MONDO:0014219, OMIM 615510.

Allele frequency attached by ClinVar (database versions not stated): gnomAD exomes 0.00001 and 0.00003; gnomAD 0.00010 and 0.00009; TOPMed 0.00011; ExAC 0.00002.
gnomAD v4.1: 31 of 1,614,034 alleles (0.0019%); highest among the groups gnomAD compares: African/African-American, 0.036%; no homozygotes.

Submissions (2):

Labcorp Genetics (formerly Invitae), Labcorp
Classification: Likely benign for Alacrima, achalasia, and impaired intellectual development syndrome. Last evaluated: 2023-07-16. Review status: criteria provided, single submitter. Criteria: Invitae Variant Classification Sherloc (09022015). Collection method: clinical testing. Allele origin: germline.

GeneDx
Classification: Likely benign. Last evaluated: 2016-02-16. Review status: criteria provided, single submitter. Criteria: GeneDx Variant Classification (06012015). Collection method: clinical testing. Allele origin: germline. Affected: yes.
Comment: This variant is considered likely benign or benign based on one or more of the following criteria: it is a conservative change, it occurs at a poorly conserved position in the protein, it is predicted to be benign by multiple in silico algorithms, and/or has population frequency not consistent with disease.